The following is an entry in ClinVar:

ClinVar aggregate classification (germline): Uncertain significance (1 of 4 stars; one submission).

Conditions:
Ehlers-Danlos syndrome, dermatosparaxis type. Also called: Dermatosparaxis; Ehlers-Danlos syndrome, type VII, autosomal recessive; EDS VIIC. Identifiers: Orphanet 1901, MedGen C2700425, MONDO:0009161, OMIM 225410.

Submission:

Labcorp Genetics (formerly Invitae), Labcorp
Classification: Uncertain significance for Ehlers-Danlos syndrome, dermatosparaxis type. Last evaluated: 2024-09-08. Review status: criteria provided, single submitter. Criteria: Invitae Variant Classification Sherloc (09022015). Collection method: clinical testing. Allele origin: germline.
Comment: This sequence change replaces aspartic acid, which is acidic and polar, with valine, which is neutral and non-polar, at codon 265 of the ADAMTS2 protein (p.Asp265Val). This variant is not present in population databases (gnomAD no frequency). This variant has not been reported in the literature in individuals affected with ADAMTS2-related conditions. An algorithm developed to predict the effect of missense changes on protein structure and function (PolyPhen-2) suggests that this variant is likely to be tolerated. In summary, the available evidence is currently insufficient to determine the role of this variant in disease. Therefore, it has been classified as a Variant of Uncertain Significance.

NM_014244.5(ADAMTS2):c.794A>T (p.Asp265Val)

Gene: ADAMTS2 (ADAM metallopeptidase with thrombospondin type 1 motif 2; minus strand). Cytogenetic location: 5q35.3.
Variant type: single nucleotide variant.
Coding change: c.794A>T on transcript NM_014244.5 (MANE Select); coding-DNA position 794, A replaced by T.
Protein change: p.Asp265Val; replaces aspartic acid 265 with valine.
Molecular consequence: missense variant.
Genome position (GRCh38, 1-based): chr5:179,207,610, T>A on the plus strand (A>T on the coding strand, the complement: ADAMTS2 is on the minus strand). VCF-style: chr5-179207610-T-A. GRCh37 (hg19) VCF-style: chr5-178634611-T-A.
Other names: c.794A>T, p.Asp265Val (NM_021599.4); short protein forms D265V.
Identifiers: ClinVar variation 3688769 (VCV003688769.2).